The following is an entry in ClinVar:

NM_181507.2(HPS5):c.1501G>A (p.Gly501Arg)

Gene: HPS5 (HPS5 biogenesis of lysosomal organelles complex 2 subunit 2; minus strand). Cytogenetic location: 11p15.1.
Variant type: single nucleotide variant.
Coding change: c.1501G>A on transcript NM_181507.2 (MANE Select); coding-DNA position 1501, G replaced by A.
Protein change: p.Gly501Arg; replaces glycine 501 with arginine.
Molecular consequence: missense variant.
Genome position (GRCh38, 1-based): chr11:18,296,807, C>T on the plus strand (G>A on the coding strand, the complement: HPS5 is on the minus strand). VCF-style: chr11-18296807-C-T. GRCh37 (hg19) VCF-style: chr11-18318354-C-T.
Other names: c.1159G>A, p.Gly387Arg (NM_007216.4, NM_181508.2); short protein forms G501R, G387R.
Identifiers: ClinVar variation 303888 (VCV000303888.51), dbSNP rs143784823, ClinGen allele CA5910127.

ClinVar aggregate classification (germline): Benign/Likely benign. Review status: criteria provided, multiple submitters, no conflicts (2 of 4 stars). 11 submissions from 11 submitters: Benign (3); Likely benign (4). 4 of the submissions do not count toward it. Last evaluated 2026-01-29.

Conditions:
Hermansky-Pudlak syndrome 5 (HPS5). Identifiers: Orphanet 231512, Orphanet 79430, MedGen C3888004, MONDO:0013557, OMIM 614074.
HPS5-related disorder. Also called: HPS5-related condition.

Allele frequency attached by ClinVar (database versions not stated): gnomAD exomes 0.00443 and 0.00333; 1000 Genomes Project 30x 0.00141; 1000 Genomes Project 0.00180; TOPMed 0.00206; ESP Exome Variant Server 0.00277; gnomAD 0.00403 and 0.00417; ExAC 0.00441.
gnomAD v4.1: 5,418 of 1,613,972 alleles (0.34%); highest among the groups gnomAD compares: Non-Finnish European, 0.32%; 36 homozygotes.

Submissions (11):

Labcorp Genetics (formerly Invitae), Labcorp
Classification: Benign. Last evaluated: 2026-01-29. Review status: criteria provided, single submitter. Criteria: Invitae Variant Classification Sherloc (09022015). Collection method: clinical testing. Allele origin: germline.

CeGaT Center for Human Genetics Tuebingen
Classification: Likely benign. Last evaluated: 2025-11-01. Review status: criteria provided, single submitter. Criteria: CeGaT Center For Human Genetics Tuebingen Variant Classification Criteria Version 2. Collection method: clinical testing. Allele origin: germline. Affected: yes. Observed: 4 variant alleles.
Comment: HPS5: BP4, BS2

Blueprint Genetics
Classification: Likely benign. Last evaluated: 2024-11-26. Review status: criteria provided, single submitter. Criteria: ACMG Guidelines, 2015. Collection method: clinical testing. Allele origin: germline.

Illumina Laboratory Services, Illumina
Classification: Likely benign for Hermansky-Pudlak syndrome 5. Last evaluated: 2018-01-13. Review status: criteria provided, single submitter. Criteria: ICSL Variant Classification Criteria 13 December 2019. Collection method: clinical testing. Allele origin: germline.
Comment: This variant was observed in the ICSL laboratory as part of a predisposition screen in an ostensibly healthy population. It had not been previously curated by ICSL or reported in the Human Gene Mutation Database (HGMD: prior to June 1st, 2018), and was therefore a candidate for classification through an automated scoring system. Utilizing variant allele frequency, disease prevalence and penetrance estimates, and inheritance mode, an automated score was calculated to assess if this variant is too frequent to cause the disease. Based on the score and internal cut-off values, a variant classified as likely benign is not then subjected to further curation. The score for this variant resulted in a classification of likely benign for this disease.

Genetic Services Laboratory, University of Chicago
Classification: Benign. Last evaluated: 2017-11-20. Review status: criteria provided, single submitter. Criteria: ACMG Guidelines, 2015. Collection method: clinical testing. Allele origin: germline. Affected: no.

Laboratory for Molecular Medicine, Mass General Brigham Personalized Medicine
Classification: Benign. Last evaluated: 2013-02-21. Review status: criteria provided, single submitter. Criteria: LMM Criteria. Collection method: clinical testing. Allele origin: germline. Observed: 1 variant allele.
Comment: Gly501Arg in exon 12 of HPS5: This variant is not expected to have clinical sign ificance because it has been identified in 4.3% (8/186) of Finnish chromosomes f rom a broad population by the 1000 Genomes Project (projects/SNP; dbSNP rs143784823).

Breakthrough Genomics
Classification: Likely benign. Review status: criteria provided, single submitter. Criteria: ACMG Guidelines, 2015. Collection method: not provided. Allele origin: germline. Inheritance: Autosomal recessive inheritance. Affected: yes.

PreventionGenetics, part of Exact Sciences
Classification: Benign for HPS5-related condition. Last evaluated: 2019-08-01. Review status: no assertion criteria provided. Collection method: clinical testing. Allele origin: germline. Not counted in ClinVar's aggregate classification.
Comment: This variant is classified as benign based on ACMG/AMP sequence variant interpretation guidelines (Richards et al. 2015 PMID: 25741868, with internal and published modifications).

Clinical Genetics DNA and cytogenetics Diagnostics Lab, Erasmus MC, Erasmus Medical Center
Classification: Likely benign. Review status: no assertion criteria provided. Collection method: clinical testing. Allele origin: germline. Affected: yes. Study: VKGL Data-share Consensus. Not counted in ClinVar's aggregate classification.

Clinical Genetics, Academic Medical Center
Classification: Likely benign. Review status: no assertion criteria provided. Collection method: clinical testing. Allele origin: germline. Affected: yes. Study: VKGL Data-share Consensus. Not counted in ClinVar's aggregate classification.

Genome Diagnostics Laboratory, University Medical Center Utrecht
Classification: Benign. Review status: no assertion criteria provided. Collection method: clinical testing. Allele origin: germline. Affected: yes. Study: VKGL Data-share Consensus. Not counted in ClinVar's aggregate classification.